The following is an entry in ClinVar:

ClinVar aggregate classification (germline): Uncertain significance (1 of 4 stars; one submission).

Conditions:
Hereditary spastic paraplegia 50 (SPG50). Also called: Spastic paraplegia 50, autosomal recessive. Identifiers: Orphanet 280763, MedGen C2752008, MONDO:0013048, OMIM 612936.

Submission:

Labcorp Genetics (formerly Invitae), Labcorp
Classification: Uncertain significance for Hereditary spastic paraplegia 50. Last evaluated: 2023-10-03. Review status: criteria provided, single submitter. Criteria: Invitae Variant Classification Sherloc (09022015). Collection method: clinical testing. Allele origin: germline.
Comment: This sequence change replaces arginine, which is basic and polar, with glycine, which is neutral and non-polar, at codon 413 of the AP4M1 protein (p.Arg413Gly). This variant is present in population databases (rs778562405, gnomAD 0.003%). This variant has not been reported in the literature in individuals affected with AP4M1-related conditions. ClinVar contains an entry for this variant (Variation ID: 1367931). Advanced modeling of protein sequence and biophysical properties (such as structural, functional, and spatial information, amino acid conservation, physicochemical variation, residue mobility, and thermodynamic stability) performed at Invitae indicates that this missense variant is not expected to disrupt AP4M1 protein function. In summary, the available evidence is currently insufficient to determine the role of this variant in disease. Therefore, it has been classified as a Variant of Uncertain Significance.

NM_004722.4(AP4M1):c.1237C>G (p.Arg413Gly)

Gene: AP4M1 (adaptor related protein complex 4 subunit mu 1; plus strand). Cytogenetic location: 7q22.1.
Variant type: single nucleotide variant.
Coding change: c.1237C>G on transcript NM_004722.4 (MANE Select); coding-DNA position 1237, C replaced by G.
Protein change: p.Arg413Gly; replaces arginine 413 with glycine.
Molecular consequence: missense variant.
Genome position (GRCh38, 1-based): chr7:100,106,757, C>G. VCF-style: chr7-100106757-C-G. GRCh37 (hg19) VCF-style: chr7-99704380-C-G.
Other names: c.1258C>G, p.Arg420Gly (NM_001363671.2); short protein forms R420G, R413G.
Identifiers: ClinVar variation 1367931 (VCV001367931.9), dbSNP rs778562405, ClinGen allele CA4375039.